The following is an entry in ClinVar:

ClinVar aggregate classification (germline): Uncertain significance (1 of 4 stars; one submission).

Submission:

Dasa
Classification: Uncertain significance. Last evaluated: 2026-04-20. Review status: criteria provided, single submitter. Criteria: DASA Assertion Criteria. Collection method: clinical testing. Allele origin: germline.
Comment: NM_000271.5(NPC1):c.3566A>C (p.Glu1189Ala) is a missense variant that results in the substitution of glutamic acid with alanine. The affected residue or protein region has prior evidence supporting clinical relevance. This variant is rare in population databases. The currently available literature and clinical evidence are not sufficient to establish a definitive association between this variant and the reported condition. Therefore, this variant is classified as a variant of uncertain significance.

NM_000271.5(NPC1):c.3566A>C (p.Glu1189Ala)

Gene: NPC1 (NPC intracellular cholesterol transporter 1; minus strand). Cytogenetic location: 18q11.2.
Variant type: single nucleotide variant.
Coding change: c.3566A>C on transcript NM_000271.5 (MANE Select); coding-DNA position 3566, A replaced by C.
Protein change: p.Glu1189Ala; replaces glutamic acid 1189 with alanine.
Molecular consequence: missense variant.
Genome position (GRCh38, 1-based): chr18:23,534,471, T>G on the plus strand (A>C on the coding strand, the complement: NPC1 is on the minus strand). VCF-style: chr18-23534471-T-G. GRCh37 (hg19) VCF-style: chr18-21114435-T-G.
Other names: short protein forms E1189A.
Identifiers: ClinVar variation 4883501 (VCV004883501.2).